The following is an entry in ClinVar:

ClinVar aggregate classification (germline): Pathogenic (1 of 4 stars; one submission).

Conditions:
Sulfite oxidase deficiency due to molybdenum cofactor deficiency type C. Also called: Molybdenum cofactor deficiency C; Molybdenum cofactor deficiency, complementation group C. Identifiers: Orphanet 308400, Orphanet 833, MedGen C1854990, MONDO:0014212, OMIM 615501.

Submission:

Labcorp Genetics (formerly Invitae), Labcorp
Classification: Pathogenic for Sulfite oxidase deficiency due to molybdenum cofactor deficiency type C. Last evaluated: 2017-07-24. Review status: criteria provided, single submitter. Criteria: Invitae Variant Classification Sherloc (09022015). Collection method: clinical testing. Allele origin: germline.
Comment: This variant is a gross deletion of the genomic region encompassing exons 1-9 of the GPHN gene, which includes the initiator codon. The 5' end of this event is unknown as it extends beyond the assayed region for this gene and therefore may encompass additional genes. The 3' boundary is likely confined to intron 9 of the GPHN gene. This is expected to result in an absent or disrupted protein product. While this variant has not been reported in the literature in individuals with GPHN-related disease, similar exonic deletions have been reported de novo in individuals affected with schizophrenia and autism (PMID: 23393157) Loss-of-function variants in GPHN are known to be pathogenic (PMID: 11095995). For these reasons, this variant has been classified as Pathogenic.

Literature cited by the submitters: PubMed 23393157; PubMed 11095995.

NC_000014.8:g.(?_67243182)_(67432042_?)del

Gene: GPHN (gephyrin; plus strand). Cytogenetic location: 14q23.3.
Variant type: Deletion.
Identifiers: ClinVar variation 584128 (VCV000584128.7).